The following is an entry in ClinVar:

NM_001375567.1(FOCAD):c.5257-3T>G

Gene: FOCAD (focadhesin; plus strand). Cytogenetic location: 9p21.3.
Variant type: single nucleotide variant.
Coding change: c.5257-3T>G on transcript NM_001375567.1 (MANE Select); 3 bases into the intron before coding-DNA position 5257, T replaced by G.
Molecular consequence: intron variant.
Genome position (GRCh38, 1-based): chr9:20,993,250, T>G. VCF-style: chr9-20993250-T-G. GRCh37 (hg19) VCF-style: chr9-20993249-T-G.
Other names: c.5152-3T>G (NM_001375568.1, NM_001375570.1); c.5257-3T>G (NM_017794.5, NM_017794.4).
Identifiers: ClinVar variation 2706892 (VCV002706892.25), dbSNP rs199933490, ClinGen allele CA5008255.

ClinVar aggregate classification (germline): Uncertain significance. Review status: criteria provided, multiple submitters, no conflicts (2 of 4 stars). 3 submissions from 3 submitters: Uncertain significance (2). 1 of the submissions does not count toward it. Last evaluated 2026-01-06.

Conditions:
FOCAD-related disorder. Also called: FOCAD-related condition.

Allele frequency attached by ClinVar (database versions not stated): gnomAD 0.00045; TOPMed 0.00048; gnomAD exomes 0.00055; 1000 Genomes Project 30x 0.00062; ExAC 0.00065; ESP Exome Variant Server 0.00069; 1000 Genomes Project 0.00080.
gnomAD v4.1: 869 of 1,612,450 alleles (0.054%); highest among the groups gnomAD compares: Middle Eastern, 0.15%; 4 homozygotes.

Submissions (13):

Labcorp Genetics (formerly Invitae), Labcorp
Classification: Uncertain significance. Last evaluated: 2026-01-06. Review status: criteria provided, single submitter. Criteria: Invitae Variant Classification Sherloc (09022015). Collection method: clinical testing. Allele origin: germline.
Comment: This sequence change falls in intron 44 of the FOCAD gene. It does not directly change the encoded amino acid sequence of the FOCAD protein. It affects a nucleotide within the consensus splice site. This variant is present in population databases (rs199933490, gnomAD 0.09%), and has an allele count higher than expected for a pathogenic variant. This variant has not been reported in the literature in individuals affected with FOCAD-related conditions. ClinVar contains an entry for this variant (Variation ID: 2706892). Variants that disrupt the consensus splice site are a relatively common cause of aberrant splicing (PMID: 17576681, 9536098). Algorithms developed to predict the effect of sequence changes on RNA splicing suggest that this variant may disrupt the consensus splice site. In summary, the available evidence is currently insufficient to determine the role of this variant in disease. Therefore, it has been classified as a Variant of Uncertain Significance.

CeGaT Center for Human Genetics Tuebingen
Classification: Uncertain significance. Last evaluated: 2024-04-01. Review status: criteria provided, single submitter. Criteria: CeGaT Center For Human Genetics Tuebingen Variant Classification Criteria Version 2. Collection method: clinical testing. Allele origin: germline. Affected: yes. Observed: 1 variant allele.
Comment: FOCAD: PP3

PreventionGenetics, part of Exact Sciences
Classification: Likely benign for FOCAD-related condition. Last evaluated: 2024-01-22. Review status: no assertion criteria provided. Collection method: clinical testing. Allele origin: germline. Not counted in ClinVar's aggregate classification.
Comment: This variant is classified as likely benign based on ACMG/AMP sequence variant interpretation guidelines (Richards et al. 2015 PMID: 25741868, with internal and published modifications).

Dr. Peter K. Rogan Lab, Western University
No classification provided (evidence only). Condition: Clear cell carcinoma of kidney. Review status: no classification provided. Collection method: in vitro. Allele origin: not applicable. Functional consequence: skipped exon, retained intron. Not counted in ClinVar's aggregate classification.

Dr. Peter K. Rogan Lab, Western University
No classification provided (evidence only). Condition: Familial cancer of breast. Review status: no classification provided. Collection method: in vitro. Allele origin: not applicable. Functional consequence: skipped exon, retained intron. Not counted in ClinVar's aggregate classification.

Dr. Peter K. Rogan Lab, Western University
No classification provided (evidence only). Condition: Familial cancer of breast. Review status: no classification provided. Collection method: in vitro. Allele origin: not applicable. Functional consequence: skipped exon, retained intron. Not counted in ClinVar's aggregate classification.

Dr. Peter K. Rogan Lab, Western University
No classification provided (evidence only). Condition: Cervical cancer. Review status: no classification provided. Collection method: in vitro. Allele origin: not applicable. Functional consequence: skipped exon, retained intron. Not counted in ClinVar's aggregate classification.

Dr. Peter K. Rogan Lab, Western University
No classification provided (evidence only). Condition: Thymoma. Review status: no classification provided. Collection method: in vitro. Allele origin: not applicable. Functional consequence: skipped exon, retained intron. Not counted in ClinVar's aggregate classification.

Dr. Peter K. Rogan Lab, Western University
No classification provided (evidence only). Condition: Ovarian serous cystadenocarcinoma. Review status: no classification provided. Collection method: in vitro. Allele origin: not applicable. Functional consequence: retained intron. Not counted in ClinVar's aggregate classification.

Dr. Peter K. Rogan Lab, Western University
No classification provided (evidence only). Condition: Gastric cancer. Review status: no classification provided. Collection method: in vitro. Allele origin: not applicable. Functional consequence: retained intron. Not counted in ClinVar's aggregate classification.

Dr. Peter K. Rogan Lab, Western University
No classification provided (evidence only). Condition: Gastric cancer. Review status: no classification provided. Collection method: in vitro. Allele origin: not applicable. Functional consequence: retained intron. Not counted in ClinVar's aggregate classification.

Dr. Peter K. Rogan Lab, Western University
No classification provided (evidence only). Condition: Adrenocortical carcinoma, hereditary. Review status: no classification provided. Collection method: in vitro. Allele origin: not applicable. Functional consequence: skipped exon, retained intron. Not counted in ClinVar's aggregate classification.

Dr. Peter K. Rogan Lab, Western University
No classification provided (evidence only). Condition: Ovarian cancer. Review status: no classification provided. Collection method: in vitro. Allele origin: not applicable. Functional consequence: skipped exon, retained intron. Not counted in ClinVar's aggregate classification.

Literature cited by the submitters: PubMed 17576681 (cited by Labcorp Genetics (formerly Invitae), Labcorp); PubMed 9536098 (cited by Labcorp Genetics (formerly Invitae), Labcorp).